The following is an entry in ClinVar:

NM_000283.4(PDE6B):c.546T>A (p.Asn182Lys)

Gene: PDE6B (phosphodiesterase 6B; plus strand). Cytogenetic location: 4p16.3.
Variant type: single nucleotide variant.
Coding change: c.546T>A on transcript NM_000283.4 (MANE Select); coding-DNA position 546, T replaced by A.
Protein change: p.Asn182Lys; replaces asparagine 182 with lysine.
Molecular consequence: missense variant.
Genome position (GRCh38, 1-based): chr4:634,754, T>A. VCF-style: chr4-634754-T-A. GRCh37 (hg19) VCF-style: chr4-628543-T-A.
Other names: c.546T>A, p.Asn182Lys (NM_001145291.2); short protein forms N182K.
Identifiers: ClinVar variation 523351 (VCV000523351.6), dbSNP rs368094720, ClinGen allele CA2793989.

ClinVar aggregate classification (germline): Uncertain significance. Review status: criteria provided, multiple submitters, no conflicts (2 of 4 stars). 3 submissions from 2 submitters: Uncertain significance (3). Last evaluated 2024-07-05.

Conditions:
Macular dystrophy. Identifiers: MedGen C0730292, HP:0007754.
Retinitis pigmentosa 40 (RP40). Identifiers: Orphanet 791, MedGen C3151107, MONDO:0013429, OMIM 613801.

Allele frequency attached by ClinVar (database versions not stated): TOPMed below 0.00001; ESP Exome Variant Server 0.00008.
gnomAD v4.1: 4 of 1,613,402 alleles (0.00025%); highest among the groups gnomAD compares: South Asian, 0.0011%; no homozygotes.

Submissions (3):

Labcorp Genetics (formerly Invitae), Labcorp
Classification: Uncertain significance. Last evaluated: 2024-07-05. Review status: criteria provided, single submitter. Criteria: Invitae Variant Classification Sherloc (09022015). Collection method: clinical testing. Allele origin: germline.
Comment: This sequence change replaces asparagine, which is neutral and polar, with lysine, which is basic and polar, at codon 182 of the PDE6B protein (p.Asn182Lys). This variant is present in population databases (rs368094720, gnomAD 0.0009%). This variant has not been reported in the literature in individuals affected with PDE6B-related conditions. ClinVar contains an entry for this variant (Variation ID: 523351). Advanced modeling of protein sequence and biophysical properties (such as structural, functional, and spatial information, amino acid conservation, physicochemical variation, residue mobility, and thermodynamic stability) performed at Invitae indicates that this missense variant is not expected to disrupt PDE6B protein function with a negative predictive value of 80%. In summary, the available evidence is currently insufficient to determine the role of this variant in disease. Therefore, it has been classified as a Variant of Uncertain Significance.

Centre for Mendelian Genomics, University Medical Centre Ljubljana
Classification: Uncertain significance for Retinitis pigmentosa 40. Last evaluated: 2019-11-12. Review status: criteria provided, single submitter. Criteria: ACMG Guidelines, 2015. Collection method: clinical testing. Allele origin: unknown. Affected: yes.
Comment: This variant was classified as: Uncertain significance. The following ACMG criteria were applied in classifying this variant: PM2,PP3.

Centre for Mendelian Genomics, University Medical Centre Ljubljana
Classification: Uncertain significance for Macular dystrophy. Last evaluated: 2017-01-01. Review status: criteria provided, single submitter. Criteria: ACMG Guidelines, 2015. Collection method: clinical testing. Allele origin: unknown. Affected: yes.